The following is an entry in ClinVar:

ClinVar aggregate classification (germline): Conflicting classifications of pathogenicity. Review status: criteria provided, conflicting classifications (1 of 4 stars). 8 submissions from 7 submitters: Uncertain significance (2); Benign (1); Likely benign (2). 3 of the submissions do not count toward it. Last evaluated 2026-02-02.

Conditions:
Retinal dystrophy. Also called: Inherited retinal dystrophy. Identifiers: Orphanet 71862, MedGen C0854723, MeSH D058499, MONDO:0019118, HP:0000556.
Leber congenital amaurosis 11 (LCA11). Identifiers: Orphanet 65, MedGen C1840284, MONDO:0013454, OMIM 613837.
Retinitis pigmentosa (RP). Identifiers: Orphanet 791, MedGen C0035334, MeSH D012174, MONDO:0019200, OMIM 268000. Inheritance: Autosomal dominant, autosomal recessive and X linked inheritance.

Allele frequency attached by ClinVar (database versions not stated): 1000 Genomes Project 30x 0.00172; 1000 Genomes Project 0.00180; ESP Exome Variant Server 0.00185; gnomAD 0.00212 and 0.00214; gnomAD exomes 0.00216; TOPMed 0.00228; ExAC 0.00229.
gnomAD v4.1: 5,387 of 1,613,000 alleles (0.33%); highest among the groups gnomAD compares: Non-Finnish European, 0.41%; 14 homozygotes.

Submissions (8):

Labcorp Genetics (formerly Invitae), Labcorp
Classification: Likely benign. Last evaluated: 2026-02-02. Review status: criteria provided, single submitter. Criteria: Invitae Variant Classification Sherloc (09022015). Collection method: clinical testing. Allele origin: germline.

CeGaT Center for Human Genetics Tuebingen
Classification: Benign. Last evaluated: 2025-06-01. Review status: criteria provided, single submitter. Criteria: CeGaT Center For Human Genetics Tuebingen Variant Classification Criteria Version 2. Collection method: clinical testing. Allele origin: germline. Affected: yes. Observed: 2 variant alleles.
Comment: IMPDH1: BP4, BS1, BS2

Blueprint Genetics
Classification: Likely benign. Last evaluated: 2024-11-26. Review status: criteria provided, single submitter. Criteria: ACMG Guidelines, 2015. Collection method: clinical testing. Allele origin: germline.

Illumina Laboratory Services, Illumina
Classification: Uncertain significance for Retinitis pigmentosa. Last evaluated: 2017-04-27. Review status: criteria provided, single submitter. Criteria: ICSL Variant Classification Criteria 13 December 2019. Collection method: clinical testing. Allele origin: germline.

Illumina Laboratory Services, Illumina
Classification: Uncertain significance for Leber congenital amaurosis 11. Last evaluated: 2017-04-27. Review status: criteria provided, single submitter. Criteria: ICSL Variant Classification Criteria 13 December 2019. Collection method: clinical testing. Allele origin: germline.
Comment: This variant was observed as part of a predisposition screen in an ostensibly healthy population. A literature search was performed for the gene, cDNA change, and amino acid change (where applicable). Publications were found based on this search. However, the evidence from the literature, in combination with allele frequency data from public databases where available, was not sufficient to rule this variant in or out of causing disease. Therefore, this variant is classified as a variant of unknown significance.

Institute of Human Genetics, Univ. Regensburg, Univ. Regensburg
Classification: Likely benign for Retinal dystrophy. Last evaluated: 2012-01-01. Review status: no assertion criteria provided. Criteria: ACMG Guidelines, 2015. Collection method: clinical testing. Allele origin: germline. Affected: yes. Not counted in ClinVar's aggregate classification.

Clinical Genetics DNA and cytogenetics Diagnostics Lab, Erasmus MC, Erasmus Medical Center
Classification: Likely benign. Review status: no assertion criteria provided. Collection method: clinical testing. Allele origin: germline. Affected: yes. Study: VKGL Data-share Consensus. Not counted in ClinVar's aggregate classification.

Clinical Genetics, Academic Medical Center
Classification: Likely benign. Review status: no assertion criteria provided. Collection method: clinical testing. Allele origin: germline. Affected: yes. Study: VKGL Data-share Consensus. Not counted in ClinVar's aggregate classification.

Literature cited by the submitters: PubMed 24244438 (cited by Illumina Laboratory Services, Illumina); PubMed 20718729 (cited by Illumina Laboratory Services, Illumina).

NM_000883.4(IMPDH1):c.1142A>G (p.His381Arg)

Gene: IMPDH1 (inosine monophosphate dehydrogenase 1; minus strand). Cytogenetic location: 7q32.1.
Variant type: single nucleotide variant.
Coding change: c.1142A>G on transcript NM_000883.4 (MANE Select); coding-DNA position 1142, A replaced by G.
Protein change: p.His381Arg; replaces histidine 381 with arginine.
Molecular consequence: missense variant.
Genome position (GRCh38, 1-based): chr7:128,396,955, T>C on the plus strand (A>G on the coding strand, the complement: IMPDH1 is on the minus strand). VCF-style: chr7-128396955-T-C. GRCh37 (hg19) VCF-style: chr7-128037009-T-C.
Other names: c.1112A>G, p.His371Arg (NM_001102605.2); c.887A>G, p.His296Arg (NM_001142573.2); c.872A>G, p.His291Arg (NM_001142574.2); c.812A>G, p.His271Arg (NM_001142575.2); c.1043A>G, p.His348Arg (NM_001142576.2); c.935A>G, p.His312Arg (NM_001304521.2); c.1034A>G, p.His345Arg (NM_183243.3); short protein forms H271R, H312R, H348R, H371R, H291R, H381R, H296R, H345R.
Identifiers: ClinVar variation 707014 (VCV000707014.26), dbSNP rs61751223, ClinGen allele CA4470928.
Genomic context (GRCh38, chr7:128,396,955, plus strand): 5'-GCAGGAGCAGGCGGGTGGGAGGCGACCCCGCACTCACCGTTCCCCCCAATCACCTGGAGG[T>C]GGGGGTACTTCTGTTTGATGTAATGCACCATGGCGATCTGATACACCGAATTCCCTTGGG-3'
Protein context (NP_000874.2, residues 371-391): MVHYIKQKYP[His381Arg]LQVIGGNVVT